The following is an entry in ClinVar:

NM_000069.3(CACNA1S):c.1055A>C (p.Lys352Thr)

Gene: CACNA1S (calcium voltage-gated channel subunit alpha1 S; minus strand). Cytogenetic location: 1q32.1.
Variant type: single nucleotide variant.
Coding change: c.1055A>C on transcript NM_000069.3 (MANE Select); coding-DNA position 1055, A replaced by C.
Protein change: p.Lys352Thr; replaces lysine 352 with threonine.
Molecular consequence: missense variant.
Genome position (GRCh38, 1-based): chr1:201,085,531, T>G on the plus strand (A>C on the coding strand, the complement: CACNA1S is on the minus strand). VCF-style: chr1-201085531-T-G. GRCh37 (hg19) VCF-style: chr1-201054659-T-G.
Other names: short protein forms K352T.
Identifiers: ClinVar variation 3070239 (VCV003070239.1), dbSNP rs2464599331, ClinGen allele CA344129855.

ClinVar aggregate classification (germline): Uncertain significance (1 of 4 stars; one submission).

Conditions:
Malignant hyperthermia, susceptibility to, 5 (MHS5). Also called: CACNA1S-Related Malignant Hyperthermia Susceptibility. Identifiers: Orphanet 423, MedGen C1866077, MONDO:0011163, OMIM 601887.

Submission:

All of Us Research Program, National Institutes of Health
Classification: Uncertain significance for Malignant hyperthermia, susceptibility to, 5. Last evaluated: 2023-04-03. Review status: criteria provided, single submitter. Criteria: ACMG Guidelines, 2015. Collection method: clinical testing. Allele origin: germline. Inheritance: Autosomal dominant inheritance. Observed: 1 variant allele, 1 heterozygote.
Comment: This missense variant replaces lysine with threonine at codon 352 of the CACNA1S protein. Computational prediction suggests that this variant may have deleterious impact on protein structure and function (internally defined REVEL score threshold >= 0.7, PMID: 27666373). To our knowledge, functional studies have not been reported for this variant. This variant has not been reported in individuals affected with CACNA1S-related disorders in the literature. This variant has not been identified in the general population by the Genome Aggregation Database (gnomAD). The available evidence is insufficient to determine the role of this variant in disease conclusively. Therefore, this variant is classified as a Variant of Uncertain Significance.

This study involves interpretation of variants in research participants for the purpose of population health screening. Participant phenotype was not available at the time of variant classification. Additional details can be found in publication PMID: 35346344, PMCID: PMC8962531